The following is an entry in ClinVar:

NM_014905.5(GLS):c.449G>C (p.Gly150Ala)

Gene: GLS (glutaminase; plus strand). Cytogenetic location: 2q32.2.
Variant type: single nucleotide variant.
Coding change: c.449G>C on transcript NM_014905.5 (MANE Select); coding-DNA position 449, G replaced by C.
Protein change: p.Gly150Ala; replaces glycine 150 with alanine.
Molecular consequence: missense variant.
Genome position (GRCh38, 1-based): chr2:190,895,214, G>C. VCF-style: chr2-190895214-G-C. GRCh37 (hg19) VCF-style: chr2-191759940-G-C.
Other names: c.449G>C, p.Gly150Ala (NM_001256310.2, NM_001437282.1, NM_001437283.1); short protein forms G150A.
Identifiers: ClinVar variation 4823020 (VCV004823020.4).
Genomic context (GRCh38, chr2:190,895,214, plus strand): 5'-AAATAAAACAGGGTCTGTTACCTAGCTTGGAAGATTTGCTGTTCTATACAATTGCTGAAG[G>C]ACAAGAGAAAATACCTGTTCATAAATTTATTACAGTAAGTTTTTATATTTTTCTATCTTA-3'
Protein context (NP_055720.3, residues 140-160): EDLLFYTIAE[Gly150Ala]QEKIPVHKFI

ClinVar aggregate classification (germline): Uncertain significance (1 of 4 stars; one submission).

Submission:

CeGaT Center for Human Genetics Tuebingen
Classification: Uncertain significance. Last evaluated: 2026-01-01. Review status: criteria provided, single submitter. Criteria: CeGaT Center For Human Genetics Tuebingen Variant Classification Criteria Version 2. Collection method: clinical testing. Allele origin: germline. Affected: yes. Observed: 1 variant allele.
Comment: GLS: PM2